The following is an entry in ClinVar:

NM_024408.4(NOTCH2):c.5977A>G (p.Thr1993Ala)

Gene: NOTCH2 (notch receptor 2; minus strand). Cytogenetic location: 1p12.
Variant type: single nucleotide variant.
Coding change: c.5977A>G on transcript NM_024408.4 (MANE Select); coding-DNA position 5977, A replaced by G.
Protein change: p.Thr1993Ala; replaces threonine 1993 with alanine.
Molecular consequence: missense variant.
Genome position (GRCh38, 1-based): chr1:119,917,715, T>C on the plus strand (A>G on the coding strand, the complement: NOTCH2 is on the minus strand). VCF-style: chr1-119917715-T-C. GRCh37 (hg19) VCF-style: chr1-120460338-T-C.
Other names: c.5977A>G (NM_024408.3); short protein forms T1993A.
Identifiers: ClinVar variation 286430 (VCV000286430.9), dbSNP rs779769077, ClinGen allele CA1039526.
Genomic context (GRCh38, chr1:119,917,715, plus strand): 5'-CAAACTGTACCTTGTTGTCCTGCATGTCTCGGTTGGCCCCATTTTTCAACAACAAAAGAG[T>C]TGCCTCCACATTATTGACAGCAGCTGCCCAGTGAAGAGCAGATTTTCCTGCAGGGGAGAA-3'
Protein context (NP_077719.2, residues 1983-2003): WAAAVNNVEA[Thr1993Ala]LLLLKNGANR

ClinVar aggregate classification (germline): Conflicting classifications of pathogenicity. Review status: criteria provided, conflicting classifications (1 of 4 stars). 4 submissions from 4 submitters: Uncertain significance (3); Likely benign (1). Last evaluated 2025-04-01.

Conditions:
Hajdu-Cheney syndrome (HJCYS). Also called: Acroosteolysis dominant type; SERPENTINE FIBULA-POLYCYSTIC KIDNEY SYNDROME; ACROOSTEOLYSIS WITH OSTEOPOROSIS AND CHANGES IN SKULL AND MANDIBLE. Identifiers: Orphanet 955, MedGen C0917715, MONDO:0007057, OMIM 102500.
Alagille syndrome due to a NOTCH2 point mutation. Also called: Alagille syndrome 2. Identifiers: Orphanet 261629, Orphanet 52, MedGen C1857761, MONDO:0012439, OMIM 610205.
Inborn genetic diseases. Identifiers: MedGen C0950123, MeSH D030342.

Allele frequency attached by ClinVar (database versions not stated): gnomAD exomes below 0.00001 and 0.00001; ExAC 0.00002; gnomAD 0.00003 and 0.00004; TOPMed 0.00003.
gnomAD v4.1: 6 of 1,613,724 alleles (0.00037%); highest among the groups gnomAD compares: African/African-American, 0.008%; no homozygotes.

Submissions (4):

Ambry Genetics
Classification: Likely benign for Inborn genetic diseases. Last evaluated: 2025-04-01. Review status: criteria provided, single submitter. Criteria: Ambry Variant Classification Scheme 2023. Collection method: clinical testing. Allele origin: germline.

Labcorp Genetics (formerly Invitae), Labcorp
Classification: Uncertain significance for Hajdu-Cheney syndrome. Last evaluated: 2024-12-08. Review status: criteria provided, single submitter. Criteria: Invitae Variant Classification Sherloc (09022015). Collection method: clinical testing. Allele origin: germline.
Comment: This sequence change replaces threonine, which is neutral and polar, with alanine, which is neutral and non-polar, at codon 1993 of the NOTCH2 protein (p.Thr1993Ala). This variant is present in population databases (rs779769077, gnomAD 0.02%). This variant has not been reported in the literature in individuals affected with NOTCH2-related conditions. ClinVar contains an entry for this variant (Variation ID: 286430). Invitae Evidence Modeling of protein sequence and biophysical properties (such as structural, functional, and spatial information, amino acid conservation, physicochemical variation, residue mobility, and thermodynamic stability) indicates that this missense variant is not expected to disrupt NOTCH2 protein function with a negative predictive value of 95%. In summary, the available evidence is currently insufficient to determine the role of this variant in disease. Therefore, it has been classified as a Variant of Uncertain Significance.

Fulgent Genetics
Classification: Uncertain significance for Hajdu-Cheney syndrome; Alagille syndrome due to a NOTCH2 point mutation. Last evaluated: 2021-08-14. Review status: criteria provided, single submitter. Criteria: ACMG Guidelines, 2015. Collection method: clinical testing. Allele origin: unknown.

Eurofins Ntd Llc (ga)
Classification: Uncertain significance. Last evaluated: 2017-08-22. Review status: criteria provided, single submitter. Criteria: EGL Classification Definitions 2015. Collection method: clinical testing. Allele origin: germline. Observed: 2 variant alleles, 2 heterozygotes.